The following is an entry in ClinVar:

NM_001039.4(SCNN1G):c.469C>T (p.Arg157Trp)

Gene: SCNN1G (sodium channel epithelial 1 subunit gamma; plus strand). Cytogenetic location: 16p12.2.
Variant type: single nucleotide variant.
Coding change: c.469C>T on transcript NM_001039.4 (MANE Select); coding-DNA position 469, C replaced by T.
Protein change: p.Arg157Trp; replaces arginine 157 with tryptophan.
Molecular consequence: missense variant.
Genome position (GRCh38, 1-based): chr16:23,189,522, C>T. VCF-style: chr16-23189522-C-T. GRCh37 (hg19) VCF-style: chr16-23200843-C-T.
Other names: short protein forms R157W.
Identifiers: ClinVar variation 3951054 (VCV003951054.2).

ClinVar aggregate classification (germline): Uncertain significance. Review status: criteria provided, multiple submitters, no conflicts (2 of 4 stars). 2 submissions from 2 submitters: Uncertain significance (2). Last evaluated 2025-05-14.

Conditions:
Inborn genetic diseases. Identifiers: MedGen C0950123, MeSH D030342.

Submissions (2):

Ambry Genetics
Classification: Uncertain significance for Inborn genetic diseases. Last evaluated: 2025-05-14. Review status: criteria provided, single submitter. Criteria: Ambry Variant Classification Scheme 2023. Collection method: clinical testing. Allele origin: germline.

Labcorp Genetics (formerly Invitae), Labcorp
Classification: Uncertain significance. Last evaluated: 2025-04-01. Review status: criteria provided, single submitter. Criteria: Invitae Variant Classification Sherloc (09022015). Collection method: clinical testing. Allele origin: germline.
Comment: This sequence change replaces arginine, which is basic and polar, with tryptophan, which is neutral and slightly polar, at codon 157 of the SCNN1G protein (p.Arg157Trp). This variant is present in population databases (rs561754036, gnomAD 0.009%). This variant has not been reported in the literature in individuals affected with SCNN1G-related conditions. An algorithm developed to predict the effect of missense changes on protein structure and function (PolyPhen-2) suggests that this variant is likely to be disruptive. In summary, the available evidence is currently insufficient to determine the role of this variant in disease. Therefore, it has been classified as a Variant of Uncertain Significance.